The following is an entry in ClinVar:

NM_001035.3(RYR2):c.8998G>A (p.Glu3000Lys)

Gene: RYR2 (ryanodine receptor 2; plus strand). Cytogenetic location: 1q43.
Variant type: single nucleotide variant.
Coding change: c.8998G>A on transcript NM_001035.3 (MANE Select); coding-DNA position 8998, G replaced by A.
Protein change: p.Glu3000Lys; replaces glutamic acid 3000 with lysine.
Molecular consequence: missense variant.
Genome position (GRCh38, 1-based): chr1:237,680,558, G>A. VCF-style: chr1-237680558-G-A. GRCh37 (hg19) VCF-style: chr1-237843858-G-A.
Other names: short protein forms E3000K.
Identifiers: ClinVar variation 3383758 (VCV003383758.1).

ClinVar aggregate classification (germline): Uncertain significance (1 of 4 stars; one submission).

Submission:

GeneDx
Classification: Uncertain significance. Last evaluated: 2024-05-29. Review status: criteria provided, single submitter. Criteria: GeneDx Variant Classification Process June 2021. Collection method: clinical testing. Allele origin: germline. Affected: yes.
Comment: Has not been previously published as pathogenic or benign to our knowledge; Not observed at significant frequency in large population cohorts (gnomAD); In silico analysis supports that this missense variant has a deleterious effect on protein structure/function; Not located in one of the three hot-spot regions of the RYR2 gene, where the majority of pathogenic missense variants occur (PMID: 19926015); This variant is associated with the following publications: (PMID: 19926015)